The following is an entry in ClinVar:

NM_000441.2(SLC26A4):c.415+4A>G

Gene: SLC26A4 (solute carrier family 26 member 4; plus strand). Cytogenetic location: 7q22.3.
Variant type: single nucleotide variant.
Coding change: c.415+4A>G on transcript NM_000441.2 (MANE Select); 4 bases into the intron after coding-DNA position 415, A replaced by G.
Molecular consequence: intron variant.
Genome position (GRCh38, 1-based): chr7:107,672,252, A>G. VCF-style: chr7-107672252-A-G. GRCh37 (hg19) VCF-style: chr7-107312697-A-G.
Identifiers: ClinVar variation 504512 (VCV000504512.12), dbSNP rs368280107, ClinGen allele CA4432446.
Genomic context (GRCh38, chr7:107,672,252, plus strand): 5'-CTTTTTTCCCTATCCTGACATACTTTATCTTTGGAACATCAAGACATATCTCAGTTGGTA[A>G]TTATAAGTATATTTTACAATTATATTTGCTCATGTTTAAAGTGTTTTGGCTATATTAAGT-3'

ClinVar aggregate classification (germline): Uncertain significance. Review status: criteria provided, multiple submitters, no conflicts (2 of 4 stars). 6 submissions from 5 submitters: Uncertain significance (5). 1 of the submissions does not count toward it. Last evaluated 2026-03-05.

Conditions:
Pendred syndrome (PDS). Also called: DEAFNESS WITH GOITER; GOITER-DEAFNESS SYNDROME; HYPOTHYROIDISM, CONGENITAL, DUE TO DYSHORMONOGENESIS, 2B; Pendred Syndrome (PDS); Pendred's syndrome; THYROID DYSHORMONOGENESIS 2B. Identifiers: Orphanet 705, MedGen C0271829, MONDO:0010134, OMIM 274600.
Autosomal recessive nonsyndromic hearing loss 4 (DFNB4). Also called: Deafness, autosomal recessive 4, with enlarged vestibular aqueduct; DEAFNESS, AUTOSOMAL RECESSIVE 4, WITH ENLARGED VESTIBULAR AQUEDUCT, DIGENIC; Nonsyndromic enlarged vestibular aqueduct (NSEVA); Deafness, autosomal recessive 4; NEUROSENSORY NONSYNDROMIC RECESSIVE DEAFNESS 4; Enlarged vestibular aqueduct, digenic. Identifiers: Orphanet 90636, MedGen C3538946, MONDO:0010933, OMIM 600791.

Allele frequency attached by ClinVar (database versions not stated): ExAC 0.00002; gnomAD exomes below 0.00001 and 0.00001; gnomAD 0.00005; TOPMed 0.00005; ESP Exome Variant Server 0.00008.
gnomAD v4.1: 9 of 1,527,534 alleles (0.00059%); highest among the groups gnomAD compares: African/African-American, 0.012%; no homozygotes.

Submissions (6):

GeneDx
Classification: Uncertain significance. Last evaluated: 2026-03-05. Review status: criteria provided, single submitter. Criteria: GeneDx Variant Classification Process June 2021. Collection method: clinical testing. Allele origin: germline.
Comment: Published functional studies demonstrate conflicting results regarding the splicing effect of this variant (PMID: 31033086, 34632506).; In silico analysis supports a deleterious effect on splicing; This variant is associated with the following publications: (PMID: 31033086, 34632506, 41226768, 15679828)

Women's Health and Genetics/Laboratory Corporation of America, LabCorp
Classification: Uncertain significance. Last evaluated: 2021-09-14. Review status: criteria provided, single submitter. Criteria: LabCorp Variant Classification Summary - May 2015. Collection method: clinical testing. Allele origin: germline.
Comment: Variant summary: SLC26A4 c.415+4A>G alters a conserved nucleotide located close to a canonical splice site and therefore could affect mRNA splicing, leading to a significantly altered protein sequence. Several computational tools predict a significant impact on normal splicing: two predict the variant abolishes a 5 prime splicing donor site; one predict the variant weakens a 5 prime donor site. However, one experimental study showed that this variant did not affect normal splicing (Lee_2019). The variant allele was found at a frequency of 8e-06 in 251052 control chromosomes. The available data on variant occurrences in the general population are insufficient to allow any conclusion about variant significance. c.415+4A>G has been reported in the literature in individuals affected with hearing loss (Park_2004). This report does not provide unequivocal conclusions about association of the variant with Pendred Syndrome. Two clinical diagnostic laboratories have submitted clinical-significance assessments for this variant to ClinVar after 2014 without evidence for independent evaluation. Both laboratories classified the variant as uncertain significance. Based on the evidence outlined above, the variant was classified as uncertain significance.

Genome-Nilou Lab
Classification: Uncertain significance for Autosomal recessive nonsyndromic hearing loss 4. Last evaluated: 2021-09-05. Review status: criteria provided, single submitter. Criteria: ACMG Guidelines, 2015. Collection method: clinical testing. Allele origin: germline. Affected: no.

Genome-Nilou Lab
Classification: Uncertain significance for Pendred syndrome. Last evaluated: 2021-09-05. Review status: criteria provided, single submitter. Criteria: ACMG Guidelines, 2015. Collection method: clinical testing. Allele origin: germline. Affected: no.

Laboratory for Molecular Medicine, Mass General Brigham Personalized Medicine
Classification: Uncertain significance. Last evaluated: 2016-12-13. Review status: criteria provided, single submitter. Criteria: LMM Criteria. Collection method: clinical testing. Allele origin: germline. Observed: 1 variant allele.
Comment: Variant classified as Uncertain Significance - Favor Pathogenic. This variant has been identified in 2/10202 Afric an chromosomes by the Exome Aggregation Consortium (ExAC; dbSNP rs368280107); however, its frequency is not high enough to rule out a pathogenic role. This variant is located in the 5' splice region. Computat ional tools suggest an impact to splicing. However, this information is not pred ictive enough to determine pathogenicity. In summary, while the clinical signifi cance of this variant is uncertain, available data suggest that this variant is more likely to be pathogenic.

Counsyl
Classification: Uncertain significance for Pendred syndrome. Last evaluated: 2018-03-08. Review status: no assertion criteria provided. Collection method: clinical testing. Allele origin: unknown. Not counted in ClinVar's aggregate classification.

Literature cited by the submitters: PubMed 31033086 (cited by Women's Health and Genetics/Laboratory Corporation of America, LabCorp); PubMed 15679828 (cited by 3 submitters).